The following is an entry in ClinVar:

ClinVar aggregate classification (germline): Benign/Likely benign. Review status: criteria provided, multiple submitters, no conflicts (2 of 4 stars). 2 submissions from 2 submitters: Benign (1); Likely benign (1). Last evaluated 2026-06-27.

Conditions:
Hereditary cancer-predisposing syndrome. Also called: Neoplastic Syndromes, Hereditary; Tumor predisposition; Hereditary Cancer Syndrome; Hereditary neoplastic syndrome. Identifiers: Orphanet 140162, MedGen C0027672, MeSH D009386, MONDO:0015356.
Familial cancer of breast. Also called: BREAST CANCER, FAMILIAL; Hereditary breast cancer; hereditary breast carcinoma. Identifiers: Orphanet 227535, MedGen C0346153, MONDO:0016419, OMIM 114480. Disease mechanism: loss of function.

Submissions (2):

Ambry Genetics
Classification: Likely benign for Hereditary cancer-predisposing syndrome. Last evaluated: 2026-06-27. Review status: criteria provided, single submitter. Criteria: Ambry Variant Classification Scheme 2023. Collection method: clinical testing. Allele origin: germline.

Myriad Genetics, Inc.
Classification: Benign for Familial cancer of breast. Last evaluated: 2024-05-09. Review status: criteria provided, single submitter. Criteria: Myriad Autosomal Dominant, Autosomal Recessive and X-Linked Classification Criteria (2023). Collection method: clinical testing. Allele origin: unknown.
Comment: This variant is considered benign. This variant is a silent/synonymous amino acid change and it is not expected to impact splicing.

NM_000051.4(ATM):c.2463T>C (p.Ser821=)

Gene: ATM (ATM serine/threonine kinase; plus strand). Cytogenetic location: 11q22.3.
Variant type: single nucleotide variant.
Coding change: c.2463T>C on transcript NM_000051.4 (MANE Select); coding-DNA position 2463, T replaced by C.
Protein change: p.Ser821=; no amino-acid change (serine 821 retained).
Molecular consequence: synonymous variant.
Genome position (GRCh38, 1-based): chr11:108,259,072, T>C. VCF-style: chr11-108259072-T-C. GRCh37 (hg19) VCF-style: chr11-108129799-T-C.
Other names: c.2463T>C, p.Ser821= (NM_001351834.2).
Identifiers: ClinVar variation 3253825 (VCV003253825.2), dbSNP rs864622412.